The following is an entry in ClinVar:

ClinVar aggregate classification (germline): Uncertain significance (1 of 4 stars; one submission).

Conditions:
Primary ciliary dyskinesia. Also called: Ciliary dyskinesia. Identifiers: Orphanet 244, MedGen C0008780, MONDO:0016575, HP:0012265.

gnomAD v4.1: 1 of 1,560,754 alleles (0.000064%); highest among the groups gnomAD compares: South Asian, 0.0012%; no homozygotes.

Submission:

Ambry Genetics
Classification: Uncertain significance for Primary ciliary dyskinesia. Last evaluated: 2025-06-09. Review status: criteria provided, single submitter. Criteria: Ambry Variant Classification Scheme 2023. Collection method: clinical testing. Allele origin: germline.
Comment: The p.S939N variant (also known as c.2816G>A), located in coding exon 20 of the CCDC39 gene, results from a G to A substitution at nucleotide position 2816. The serine at codon 939 is replaced by asparagine, an amino acid with highly similar properties. This amino acid position is conserved. In addition, this alteration is predicted to be tolerated by in silico analysis. Based on the available evidence, the clinical significance of this variant remains unclear.

NM_181426.2(CCDC39):c.2816G>A (p.Ser939Asn)

Genes: CCDC39 (coiled-coil domain 39 molecular ruler complex subunit; minus strand), TTC14 (tetratricopeptide repeat domain 14; plus strand). Cytogenetic location: 3q26.33.
Variant type: single nucleotide variant.
Coding change: c.2816G>A on transcript NM_181426.2 (MANE Select); coding-DNA position 2816, G replaced by A.
Protein change: p.Ser939Asn; replaces serine 939 with asparagine.
Molecular consequence: missense variant. On other transcripts: intron variant (1).
Genome position (GRCh38, 1-based): chr3:180,614,931, C>T on the plus strand (G>A on the coding strand, the complement: CCDC39 is on the minus strand). VCF-style: chr3-180614931-C-T. GRCh37 (hg19) VCF-style: chr3-180332719-C-T.
Other names: c.1775-2449C>T (NM_001288582.2); short protein forms S939N.
Identifiers: ClinVar variation 3996992 (VCV003996992.1).
Genomic context (GRCh38, chr3:180,614,931, plus strand): 5'-GTATATTTTTGTTTTTGTGTTTACAACTTTTTCAGAAGAGATTAAAATGTTTATTTGCTG[C>T]TCTTTTTGCTCTTAACATTACTAGAGCTACTACTAGCACTAGATGGCCTAGAAGGGCTGC-3'
Protein context (NP_852091.1, residues 929-941): SSSSNVKSKK[Ser939Asn]SK